The following is an entry in ClinVar:

ClinVar aggregate classification (germline): Likely benign. Review status: criteria provided, single submitter (1 of 4 stars). 2 submissions from 2 submitters: Likely benign (1). 1 of the submissions does not count toward it. Last evaluated 2025-06-18.

Conditions:
MSX1-related disorder. Also called: MSX1-related condition.
Hypoplastic enamel-onycholysis-hypohidrosis syndrome (TNS). Also called: WITKOP SYNDROME; Tooth-and-Nail Syndrome; ECTODERMAL DYSPLASIA 3, WITKOP TYPE; NAIL DYSPLASIA WITH HYPODONTIA; ECTODERMAL DYSPLASIA 3, TOOTH/NAIL TYPE. Identifiers: Orphanet 2228, MedGen C0406735, MONDO:0008582, OMIM 189500.

Allele frequency attached by ClinVar (database versions not stated): ESP Exome Variant Server 0.00008; ExAC 0.00009; TOPMed 0.00021; gnomAD 0.00023; 1000 Genomes Project 30x 0.00047; 1000 Genomes Project 0.00060.
gnomAD v4.1: 121 of 1,613,436 alleles (0.0075%); highest among the groups gnomAD compares: African/African-American, 0.11%; no homozygotes.

Submissions (2):

Labcorp Genetics (formerly Invitae), Labcorp
Classification: Likely benign for Hypoplastic enamel-onycholysis-hypohidrosis syndrome. Last evaluated: 2025-06-18. Review status: criteria provided, single submitter. Criteria: Invitae Variant Classification Sherloc (09022015). Collection method: clinical testing. Allele origin: germline.

PreventionGenetics, part of Exact Sciences
Classification: Likely benign for MSX1-related condition. Last evaluated: 2022-02-07. Review status: no assertion criteria provided. Collection method: clinical testing. Allele origin: germline. Not counted in ClinVar's aggregate classification.
Comment: This variant is classified as likely benign based on ACMG/AMP sequence variant interpretation guidelines (Richards et al. 2015 PMID: 25741868, with internal and published modifications).

NM_002448.3(MSX1):c.546G>A (p.Ala182=)

Gene: MSX1 (msh homeobox 1; plus strand). Cytogenetic location: 4p16.2.
Variant type: single nucleotide variant.
Coding change: c.546G>A on transcript NM_002448.3 (MANE Select); coding-DNA position 546, G replaced by A.
Protein change: p.Ala182=; no amino-acid change (alanine 182 retained).
Molecular consequence: synonymous variant.
Genome position (GRCh38, 1-based): chr4:4,862,777, G>A. VCF-style: chr4-4862777-G-A. GRCh37 (hg19) VCF-style: chr4-4864504-G-A.
Identifiers: ClinVar variation 3051849 (VCV003051849.3), dbSNP rs140353960, ClinGen allele CA2833072.
Genomic context (GRCh38, chr4:4,862,777, plus strand): 5'-AGCCTGCACCCTCCGCAAACACAAGACGAACCGTAAGCCGCGGACGCCCTTCACCACCGC[G>A]CAGCTGCTGGCGCTGGAGCGCAAGTTCCGCCAGAAGCAGTACCTGTCCATCGCCGAGCGC-3'
Protein context (NP_002439.2, residues 172-192): NRKPRTPFTT[Ala182=]QLLALERKFR